The following is an entry in ClinVar:

NM_003978.5(PSTPIP1):c.137+6C>T

Gene: PSTPIP1 (proline-serine-threonine phosphatase interacting protein 1; plus strand). Cytogenetic location: 15q24.3.
Variant type: single nucleotide variant.
Coding change: c.137+6C>T on transcript NM_003978.5 (MANE Select); 6 bases into the intron after coding-DNA position 137, C replaced by T.
Molecular consequence: intron variant.
Genome position (GRCh38, 1-based): chr15:77,018,254, C>T. VCF-style: chr15-77018254-C-T. GRCh37 (hg19) VCF-style: chr15-77310595-C-T.
Other names: c.332+6C>T (NM_001321137.1); c.110+6C>T (NM_001321136.2); c.137+6C>T (NM_001321135.2).
Identifiers: ClinVar variation 2023860 (VCV002023860.4), dbSNP rs2542743590, ClinGen allele CA2580090023.
Genomic context (GRCh38, chr15:77,018,254, plus strand): 5'-GGCTTCTGGATGGCAGGAAGATGTGCAAAGACATGGAGGAGCTACTGAGGCAGAGGTGAG[C>T]TGCTGGGCAGGCCATGGGGAGCGCAGGCAGGAAGCAGGTGGCTTCCGCTCGGCTCCTGGG-3'

ClinVar aggregate classification (germline): Uncertain significance (1 of 4 stars; one submission).

Conditions:
Pyogenic arthritis-pyoderma gangrenosum-acne syndrome (PAPA). Also called: PAPA SYNDROME; FAMILIAL RECURRENT ARTHRITIS. Identifiers: Orphanet 69126, MedGen C1858361, MONDO:0011462, OMIM 604416.

Allele frequency attached by ClinVar (database versions not stated): gnomAD exomes below 0.00001.

Submission:

Labcorp Genetics (formerly Invitae), Labcorp
Classification: Uncertain significance for Pyogenic arthritis-pyoderma gangrenosum-acne syndrome. Last evaluated: 2024-11-05. Review status: criteria provided, single submitter. Criteria: Invitae Variant Classification Sherloc (09022015). Collection method: clinical testing. Allele origin: germline.
Comment: This sequence change falls in intron 2 of the PSTPIP1 gene. It does not directly change the encoded amino acid sequence of the PSTPIP1 protein. It affects a nucleotide within the consensus splice site. This variant is not present in population databases (gnomAD no frequency). This variant has not been reported in the literature in individuals affected with PSTPIP1-related conditions. ClinVar contains an entry for this variant (Variation ID: 2023860). Variants that disrupt the consensus splice site are a relatively common cause of aberrant splicing (PMID: 17576681, 9536098). Algorithms developed to predict the effect of sequence changes on RNA splicing suggest that this variant is not likely to affect RNA splicing. In summary, the available evidence is currently insufficient to determine the role of this variant in disease. Therefore, it has been classified as a Variant of Uncertain Significance.

Literature cited by the submitters: PubMed 17576681; PubMed 9536098.